The following is an entry in ClinVar:

NC_000017.11:g.(?_74299698)_(74305462_?)del

Gene: DNAI2 (dynein axonemal intermediate chain 2; plus strand). Cytogenetic location: 17q25.1.
Variant type: Deletion.
Identifiers: ClinVar variation 584187 (VCV000584187.1).

ClinVar aggregate classification (germline): Pathogenic (1 of 4 stars; one submission).

Conditions:
Primary ciliary dyskinesia. Also called: Ciliary dyskinesia. Identifiers: Orphanet 244, MedGen C0008780, MONDO:0016575, HP:0012265.

Submission:

Labcorp Genetics (formerly Invitae), Labcorp
Classification: Pathogenic for Ciliary dyskinesia. Last evaluated: 2018-05-29. Review status: criteria provided, single submitter. Criteria: Invitae Variant Classification Sherloc (09022015). Collection method: clinical testing. Allele origin: germline.
Comment: This variant is an out-of-frame deletion of the genomic region encompassing exons 7-9 of the DNAI2 gene. This is expected to create a premature translational stop signal and result in an absent or disrupted protein product. Similar variants has not been reported in the literature in individuals with DNAI2-related disease. Loss-of-function variants in DNAI2 are known to be pathogenic (PMID: 18950741). For these reasons, this variant has been classified as Pathogenic.